The following is an entry in ClinVar:

NM_001393769.1(MED12L):c.2192C>T (p.Pro731Leu)

Gene: MED12L (mediator complex subunit 12L; plus strand). Cytogenetic location: 3q25.1.
Variant type: single nucleotide variant.
Coding change: c.2192C>T on transcript NM_001393769.1 (MANE Select); coding-DNA position 2192, C replaced by T.
Protein change: p.Pro731Leu; replaces proline 731 with leucine.
Molecular consequence: missense variant.
Genome position (GRCh38, 1-based): chr3:151,193,608, C>T. VCF-style: chr3-151193608-C-T. GRCh37 (hg19) VCF-style: chr3-150911395-C-T.
Other names: c.2087C>T, p.Pro696Leu (NM_053002.6); short protein forms P696L, P731L.
Identifiers: ClinVar variation 4086425 (VCV004086425.1).

ClinVar aggregate classification (germline): Uncertain significance (1 of 4 stars; one submission).

Submission:

GeneDx
Classification: Uncertain significance. Last evaluated: 2025-03-21. Review status: criteria provided, single submitter. Criteria: GeneDx Variant Classification Process June 2021. Collection method: clinical testing. Allele origin: germline. Affected: yes.
Comment: Not observed at significant frequency in large population cohorts (gnomAD); In silico analysis supports that this missense variant has a deleterious effect on protein structure/function; Has not been previously published as pathogenic or benign to our knowledge